The following is an entry in ClinVar:

ClinVar aggregate classification (germline): Likely benign. Review status: criteria provided, multiple submitters, no conflicts (2 of 4 stars). 3 submissions from 3 submitters: Likely benign (3). Last evaluated 2024-10-10.

Submissions (3):

Labcorp Genetics (formerly Invitae), Labcorp
Classification: Likely benign. Last evaluated: 2024-10-10. Review status: criteria provided, single submitter. Criteria: Invitae Variant Classification Sherloc (09022015). Collection method: clinical testing. Allele origin: germline.

Blueprint Genetics
Classification: Likely benign. Last evaluated: 2023-03-31. Review status: criteria provided, single submitter. Criteria: ACMG Guidelines, 2015. Collection method: clinical testing. Allele origin: germline.

Laboratory for Molecular Medicine, Mass General Brigham Personalized Medicine
Classification: Likely benign. Last evaluated: 2014-07-22. Review status: criteria provided, single submitter. Criteria: LMM Criteria. Collection method: clinical testing. Allele origin: germline. Observed: 1 variant allele.
Comment: 14043+8T>C in intron 69 of GPR98: This variant is not expected to have clinical significance because it is not located within the splice consensus sequence and it is not predicted to impact splicing.

NM_032119.4(ADGRV1):c.14043+8T>C

Gene: ADGRV1 (adhesion G protein-coupled receptor V1; plus strand). Cytogenetic location: 5q14.3.
Variant type: single nucleotide variant.
Coding change: c.14043+8T>C on transcript NM_032119.4 (MANE Select); 8 bases into the intron after coding-DNA position 14043, T replaced by C.
Molecular consequence: intron variant.
Genome position (GRCh38, 1-based): chr5:90,789,859, T>C. VCF-style: chr5-90789859-T-C. GRCh37 (hg19) VCF-style: chr5-90085676-T-C.
Identifiers: ClinVar variation 163617 (VCV000163617.9), dbSNP rs727503083, ClinGen allele CA176241.